The following is an entry in ClinVar:

ClinVar aggregate classification (germline): Uncertain significance (1 of 4 stars; one submission).

Conditions:
Cardiovascular phenotype. Identifiers: MedGen CN230736.

Submission:

Ambry Genetics
Classification: Uncertain significance for Cardiovascular phenotype. Last evaluated: 2024-12-31. Review status: criteria provided, single submitter. Criteria: Ambry Variant Classification Scheme 2023. Collection method: clinical testing. Allele origin: germline.
Comment: The p.T67P variant (also known as c.199A>C), located in coding exon 2 of the JAG1 gene, results from an A to C substitution at nucleotide position 199. The threonine at codon 67 is replaced by proline, an amino acid with highly similar properties. This amino acid position is conserved. In addition, the in silico prediction for this alteration is inconclusive. Based on the available evidence, the clinical significance of this variant remains unclear.

NM_000214.3(JAG1):c.199A>C (p.Thr67Pro)

Gene: JAG1 (jagged canonical Notch ligand 1; minus strand). Cytogenetic location: 20p12.2.
Variant type: single nucleotide variant.
Coding change: c.199A>C on transcript NM_000214.3 (MANE Select); coding-DNA position 199, A replaced by C.
Protein change: p.Thr67Pro; replaces threonine 67 with proline.
Molecular consequence: missense variant.
Genome position (GRCh38, 1-based): chr20:10,672,889, T>G on the plus strand (A>C on the coding strand, the complement: JAG1 is on the minus strand). VCF-style: chr20-10672889-T-G. GRCh37 (hg19) VCF-style: chr20-10653537-T-G.
Other names: short protein forms T67P.
Identifiers: ClinVar variation 3862098 (VCV003862098.1).
Genomic context (GRCh38, chr20:10,672,889, plus strand): 5'-TGACGCGGGACTGATACTCCTTGAGGCACACTTTGAAGTATGTGTCACACTCGTCGCGGG[T>G]GCACTTGCGGTCTCCCGGGTTCCGGGCGCCGCCGCAGCAGTTCCCGTTCTGCAGCTCCCC-3'
Protein context (NP_000205.1, residues 57-77): GARNPGDRKC[Thr67Pro]RDECDTYFKV